The following is an entry in ClinVar:

ClinVar aggregate classification (germline): Uncertain significance (1 of 4 stars; one submission).

Conditions:
Hereditary cancer-predisposing syndrome. Also called: Hereditary Cancer Syndrome; Tumor predisposition; Hereditary neoplastic syndrome; Neoplastic Syndromes, Hereditary. Identifiers: Orphanet 140162, MedGen C0027672, MeSH D009386, MONDO:0015356.

Submission:

Ambry Genetics
Classification: Uncertain significance for Hereditary cancer-predisposing syndrome. Last evaluated: 2024-06-03. Review status: criteria provided, single submitter. Criteria: Ambry Variant Classification Scheme 2023. Collection method: clinical testing. Allele origin: germline.
Comment: The p.P18R variant (also known as c.53C>G), located in coding exon 1 of the BRIP1 gene, results from a C to G substitution at nucleotide position 53. The proline at codon 18 is replaced by arginine, an amino acid with dissimilar properties. This amino acid position is conserved. In addition, this alteration is predicted to be deleterious by in silico analysis. Based on the available evidence, the clinical significance of this variant remains unclear.

NM_032043.3(BRIP1):c.53C>G (p.Pro18Arg)

Gene: BRIP1 (BRCA1 interacting DNA helicase 1; minus strand). Cytogenetic location: 17q23.2.
Variant type: single nucleotide variant.
Coding change: c.53C>G on transcript NM_032043.3 (MANE Select); coding-DNA position 53, C replaced by G.
Protein change: p.Pro18Arg; replaces proline 18 with arginine.
Molecular consequence: missense variant.
Genome position (GRCh38, 1-based): chr17:61,861,487, G>C on the plus strand (C>G on the coding strand, the complement: BRIP1 is on the minus strand). VCF-style: chr17-61861487-G-C. GRCh37 (hg19) VCF-style: chr17-59938848-G-C.
Other names: short protein forms P18R.
Identifiers: ClinVar variation 3261832 (VCV003261832.1).